The following is an entry in ClinVar:

ClinVar aggregate classification (germline): Pathogenic. Review status: reviewed by expert panel (3 of 4 stars). 2 submissions from 2 submitters: Pathogenic (1). 1 of the submissions does not count toward it. Last evaluated 2023-08-25.

Conditions:
CDH1-related diffuse gastric and lobular breast cancer syndrome. Also called: CDH1-related diffuse gastric and lobular breast cancer. Identifiers: MedGen CN311521, MONDO:0100488.
Hereditary cancer-predisposing syndrome. Also called: Hereditary Cancer Syndrome; Neoplastic Syndromes, Hereditary; Hereditary neoplastic syndrome; Tumor predisposition. Identifiers: Orphanet 140162, MedGen C0027672, MeSH D009386, MONDO:0015356.

Submissions (2):

Clingen Gastric Cancer Variant Curation Expert Panel
Classification: Pathogenic for CDH1-related diffuse gastric and lobular breast cancer syndrome. Last evaluated: 2023-08-25. Review status: reviewed by expert panel. Criteria: ClinGen CDH1 ACMG Specifications V3.1. Collection method: curation. Allele origin: germline. Inheritance: Autosomal dominant inheritance.
Comment: The c.1235_1236TA[3] (p.Ile415fs) variant is predicted to result in a premature stop codon that leads to a truncated or absent protein (PVS1, PM5_Supporting). The variant is absent in the gnomAD cohort (PM2_Supporting). The variant has been reported in a family meeting HDGC clinical criteria (SCV000580699.3; PS4_Supporting). In summary, this variant meets criteria to be classified as Pathogenic based on the ACMG/AMP criteria applied as specified by the CDH1 Variant Curation Expert Panel (Variant Interpretation Guidelines Version 3.1): PVS1, PM2_Supporting, PS4_Supporting, PM5_Supporting.

Ambry Genetics
Classification: Pathogenic for Hereditary cancer-predisposing syndrome. Last evaluated: 2024-07-29. Review status: criteria provided, single submitter. Criteria: Ambry Variant Classification Scheme 2023. Collection method: clinical testing. Allele origin: germline. Not counted in ClinVar's aggregate classification.
Comment: The c.1237_1238dupTA pathogenic mutation, located in coding exon 9 of the CDH1 gene, results from a duplication of TA at nucleotide position 1237, causing a translational frameshift with a predicted alternate stop codon (p.I415Pfs*3). This variant has been observed in at least one individual with a personal and/or family history that is consistent with CDH1-associated disease (Ambry internal data). This variant is considered to be rare based on population cohorts in the Genome Aggregation Database (gnomAD). This alteration is expected to result in loss of function by premature protein truncation or nonsense-mediated mRNA decay. As such, this alteration is interpreted as a disease-causing mutation.

NM_004360.5(CDH1):c.1237_1238dup (p.Ile415fs)

Gene: CDH1 (cadherin 1; plus strand). Cytogenetic location: 16q22.1.
Variant type: Microsatellite.
Coding change: c.1237_1238dup on transcript NM_004360.5 (MANE Select); coding-DNA positions 1237 to 1238, 2 bases duplicated (TA; older notation c.1237_1238dupTA).
Protein change: p.Ile415fs; shifts the reading frame from isoleucine 415.
Molecular consequence: frameshift variant. On other transcripts: 5 prime UTR variant (2), intron variant (1).
Genome position (GRCh38, 1-based): chr16:68,813,412-68,813,413, TA duplicated; duplicating any 2 consecutive bases within chr16:68,813,410-68,813,413 gives the same sequence; the c. name uses the placement nearest the transcript's 3' end. VCF-style (leftmost placement, unchanged base first): chr16-68813409-G-GTA. GRCh37 (hg19) VCF-style: chr16-68847312-G-GTA.
Other names: c.1235_1236TA[3] (NM_004360.5); c.-381TA[3] (NM_001317185.2); c.-585TA[3] (NM_001317186.2); c.1137+1147TA[3] (NM_001317184.2); short protein forms I415fs.
Identifiers: ClinVar variation 428622 (VCV000428622.5), dbSNP rs1131690811, ClinGen allele CA645369678.